The following is an entry in ClinVar:

ClinVar aggregate classification (germline): Pathogenic (1 of 4 stars; one submission).

Conditions:
Low phospholipid associated cholelithiasis (GBD1). Also called: Gallbladder disease 1; Gallstone cholecystitis. Identifiers: Orphanet 69663, MedGen C2609268, MONDO:0010939, OMIM 600803.

Submission:

Genomenon, Inc
Classification: Pathogenic for Low phospholipid associated cholelithiasis. Last evaluated: 2026-04-14. Review status: criteria provided, single submitter. Criteria: Genomenon Sequence Variant Interpretation Standards - Updated. Collection method: curation. Allele origin: germline. Affected: yes.
Comment: ABCB4 p.Val474TrpfsTer2 (c.1420del) is a frameshift variant that results in the production of a truncated protein which is predicted to undergo nonsense-mediated mRNA decay. This variant has been observed in at least one proband with an ABCB4-related disorder (PMID:23533021). It is absent or not present at a significant frequency in gnomAD. In conclusion, we classify ABCB4 p.Val474TrpfsTer2 (c.1420del) as a pathogenic variant.

Literature cited by the submitters: PubMed 23533021.

NM_000443.4(ABCB4):c.1420del (p.Val474fs)

Gene: ABCB4 (ATP binding cassette subfamily B member 4; minus strand). Cytogenetic location: 7q21.12.
Variant type: Deletion.
Coding change: c.1420del on transcript NM_000443.4 (MANE Select); coding-DNA position 1420, one base deleted (G; older notation c.1420delG).
Protein change: p.Val474fs; shifts the reading frame from valine 474.
Molecular consequence: frameshift variant.
Genome position (GRCh38, 1-based): chr7:87,440,339, C deleted on the plus strand (G on the coding strand, the reverse complement: ABCB4 is on the minus strand). VCF-style (leftmost placement, unchanged base first): chr7-87440338-AC-A. GRCh37 (hg19) VCF-style: chr7-87069654-AC-A.
Other names: c.1420del, p.Val474fs (NM_018849.3, NM_018850.3); short protein forms V474fs.
Identifiers: ClinVar variation 4846661 (VCV004846661.1).
Genomic context (GRCh38, chr7:87,440,338, plus strand): 5'-CGGCCATAACAAATATTTTCAGCAATTGTGGTGGAAAACAGCACCGGCTCCTGACTCACC[AC>A]ACCAATGATTTCCCTCAGATAGTTTACATTAAAGTTCCTAATATCCTGCCCATCAATGTT-3'